The following is an entry in ClinVar:

NM_001267550.2(TTN):c.24385G>T (p.Glu8129Ter)

Gene: TTN (titin; minus strand). Cytogenetic location: 2q31.2.
Variant type: single nucleotide variant.
Coding change: c.24385G>T on transcript NM_001267550.2 (MANE Select); coding-DNA position 24385, G replaced by T.
Protein change: p.Glu8129Ter; replaces glutamic acid 8129 with a stop codon.
Molecular consequence: nonsense. On other transcripts: intron variant (3).
Genome position (GRCh38, 1-based): chr2:178,718,815, C>A on the plus strand (G>T on the coding strand, the complement: TTN is on the minus strand). VCF-style: chr2-178718815-C-A. GRCh37 (hg19) VCF-style: chr2-179583542-C-A.
Other names: c.20653G>T, p.Glu6885Ter (NM_133378.4); c.23434G>T, p.Glu7812Ter (NM_001256850.1); c.13282+19267G>T (NM_003319.4); c.13858+19267G>T (NM_133437.4); c.13657+19267G>T (NM_133432.3); short protein forms E6885*, E8129*, E7812*.
Identifiers: ClinVar variation 179397 (VCV000179397.13), dbSNP rs727504843, ClinGen allele CA273620.

ClinVar aggregate classification (germline): Likely pathogenic. Review status: criteria provided, multiple submitters, no conflicts (2 of 4 stars). 2 submissions from 2 submitters: Likely pathogenic (2). Last evaluated 2024-10-28.

Conditions:
Dilated cardiomyopathy 1G (CMD1G). Identifiers: Orphanet 154, MedGen C1858763, MONDO:0011400, OMIM 604145.
Autosomal recessive limb-girdle muscular dystrophy type 2J (LGMDR10). Also called: Limb-girdle muscular dystrophy, type 2J; MUSCULAR DYSTROPHY, LIMB-GIRDLE, AUTOSOMAL RECESSIVE 10. Identifiers: Orphanet 140922, MedGen C1837342, MONDO:0012127, OMIM 608807.
Primary dilated cardiomyopathy (DCM). Also called: Dilated Cardiomyopathy. Identifiers: Orphanet 217604, MedGen C0007193, MeSH D002311, MONDO:0005021, HP:0001644. Inheritance: Various modes of inheritance.

Submissions (2):

Labcorp Genetics (formerly Invitae), Labcorp
Classification: Likely pathogenic for Dilated cardiomyopathy 1G; Autosomal recessive limb-girdle muscular dystrophy type 2J. Last evaluated: 2024-10-28. Review status: criteria provided, single submitter. Criteria: Invitae Variant Classification Sherloc (09022015). Collection method: clinical testing. Allele origin: germline.
Comment: This sequence change creates a premature translational stop signal (p.Glu8129*) in the TTN gene. While this is not anticipated to result in nonsense mediated decay, it is expected to create a truncated TTN protein. This variant is not present in population databases (gnomAD no frequency). This variant has not been reported in the literature in individuals affected with TTN-related conditions. ClinVar contains an entry for this variant (Variation ID: 179397). Algorithms developed to predict the effect of sequence changes on RNA splicing suggest that this variant may disrupt the consensus splice site. This variant is located in the I band of TTN (PMID: 25589632). Truncating variants in this region have been reported in individuals affected with autosomal recessive centronuclear myopathy (PMID: 23975875, internal data). Truncating variants in this region have also been identified in individuals affected with autosomal dominant dilated cardiomyopathy and/or cardio-related conditions (PMID: 27869827, 32964742, internal data). In summary, the currently available evidence indicates that the variant is pathogenic, but additional data are needed to prove that conclusively. Therefore, this variant has been classified as Likely Pathogenic.

Laboratory for Molecular Medicine, Mass General Brigham Personalized Medicine
Classification: Likely pathogenic for Primary dilated cardiomyopathy. Last evaluated: 2013-11-11. Review status: criteria provided, single submitter. Criteria: LMM Criteria. Collection method: clinical testing. Allele origin: germline. Inheritance: Autosomal dominant inheritance. Observed: 1 variant allele.
Comment: The Glu6885X variant in TTN has not been previously reported in individuals with cardiomyopathy or in large population studies. This variant leads to a prematur e termination codon at position 6885, which is predicted to lead to a truncated or absent protein. Nonsense and other truncating variants in TTN are strongly as sociated with DCM and the majority occur in the A-band (Herman 2012, LMM unpubli shed data), while this variant occurs in the I-band. In summary, this variant is likely to be pathogenic, though additional studies are required to fully establ ish its clinical significance.

Literature cited by the submitters: PubMed 25589632 (cited by Labcorp Genetics (formerly Invitae), Labcorp); PubMed 23975875 (cited by Labcorp Genetics (formerly Invitae), Labcorp); PubMed 27869827 (cited by Labcorp Genetics (formerly Invitae), Labcorp); PubMed 32964742 (cited by Labcorp Genetics (formerly Invitae), Labcorp); PubMed 22335739 (cited by Laboratory for Molecular Medicine, Mass General Brigham Personalized Medicine).